The following is an entry in ClinVar:

ClinVar aggregate classification (germline): Uncertain significance (1 of 4 stars; one submission).

Conditions:
Ehlers-Danlos syndrome, classic type, 1 (EDSCL1). Also called: EDS I; EHLERS-DANLOS SYNDROME, GRAVIS TYPE; EHLERS-DANLOS SYNDROME, SEVERE CLASSIC TYPE; Ehlers-Danlos syndrome, type 1; Ehlers-Danlos Syndrome, Classic Type, COL5A1-Related. Identifiers: MedGen C0268335, MONDO:0019567, OMIM 130000.

Allele frequency attached by ClinVar (database versions not stated): TOPMed below 0.00001; ExAC 0.00001; gnomAD 0.00001; gnomAD exomes 0.00001.
gnomAD v4.1: 10 of 1,614,066 alleles (0.00062%); highest among the groups gnomAD compares: Non-Finnish European, 0.00076%; no homozygotes.

Submission:

Labcorp Genetics (formerly Invitae), Labcorp
Classification: Uncertain significance for Ehlers-Danlos syndrome, classic type, 1. Last evaluated: 2023-09-01. Review status: criteria provided, single submitter. Criteria: Invitae Variant Classification Sherloc (09022015). Collection method: clinical testing. Allele origin: germline.
Comment: In summary, the available evidence is currently insufficient to determine the role of this variant in disease. Therefore, it has been classified as a Variant of Uncertain Significance. Advanced modeling of protein sequence and biophysical properties (such as structural, functional, and spatial information, amino acid conservation, physicochemical variation, residue mobility, and thermodynamic stability) performed at Invitae indicates that this missense variant is expected to disrupt COL5A2 protein function. This variant has not been reported in the literature in individuals affected with COL5A2-related conditions. This variant is present in population databases (rs760694980, gnomAD 0.0009%). This sequence change replaces glycine, which is neutral and non-polar, with glutamic acid, which is acidic and polar, at codon 633 of the COL5A2 protein (p.Gly633Glu).

NM_000393.5(COL5A2):c.1898G>A (p.Gly633Glu)

Gene: COL5A2 (collagen type V alpha 2 chain; minus strand). Cytogenetic location: 2q32.2.
Variant type: single nucleotide variant.
Coding change: c.1898G>A on transcript NM_000393.5 (MANE Select); coding-DNA position 1898, G replaced by A.
Protein change: p.Gly633Glu; replaces glycine 633 with glutamic acid.
Molecular consequence: missense variant.
Genome position (GRCh38, 1-based): chr2:189,063,035, C>T on the plus strand (G>A on the coding strand, the complement: COL5A2 is on the minus strand). VCF-style: chr2-189063035-C-T. GRCh37 (hg19) VCF-style: chr2-189927761-C-T.
Other names: short protein forms G633E.
Identifiers: ClinVar variation 2911367 (VCV002911367.3), dbSNP rs760694980, ClinGen allele CA2022533.
Genomic context (GRCh38, chr2:189,063,035, plus strand): 5'-ACATTATTTTTCTTTAGCAGAAAATGTATATTTACCCTCTGCCCAGGAACTCCAGCATTT[C>T]CTGCTTCTCCAGGTTTCCCAGGGTCACCCTAAAGAATAAATGAAACTTTTGTATAATTCC-3'
Protein context (NP_000384.2, residues 623-643): SGDPGKPGEA[Gly633Glu]NAGVPGQRGA